The following is an entry in ClinVar:

NM_004655.4(AXIN2):c.402C>G (p.Ile134Met)

Gene: AXIN2 (axin 2; minus strand). Cytogenetic location: 17q24.1.
Variant type: single nucleotide variant.
Coding change: c.402C>G on transcript NM_004655.4 (MANE Select); coding-DNA position 402, C replaced by G.
Protein change: p.Ile134Met; replaces isoleucine 134 with methionine.
Molecular consequence: missense variant.
Genome position (GRCh38, 1-based): chr17:65,558,219, G>C on the plus strand (C>G on the coding strand, the complement: AXIN2 is on the minus strand). VCF-style: chr17-65558219-G-C. GRCh37 (hg19) VCF-style: chr17-63554337-G-C.
Other names: c.402C>G, p.Ile134Met (NM_001363813.1); short protein forms I134M.
Identifiers: ClinVar variation 2776780 (VCV002776780.4), dbSNP rs375952649, ClinGen allele CA400681473.

ClinVar aggregate classification (germline): Uncertain significance. Review status: criteria provided, multiple submitters, no conflicts (2 of 4 stars). 2 submissions from 2 submitters: Uncertain significance (2). Last evaluated 2026-04-16.

Conditions:
Hereditary cancer-predisposing syndrome. Also called: Tumor predisposition; Hereditary neoplastic syndrome; Neoplastic Syndromes, Hereditary; Hereditary Cancer Syndrome. Identifiers: Orphanet 140162, MedGen C0027672, MeSH D009386, MONDO:0015356.
Oligodontia-cancer predisposition syndrome. Also called: TOOTH AGENESIS-COLORECTAL CANCER SYNDROME. Identifiers: Orphanet 300576, MedGen C1837750, MONDO:0012075, OMIM 608615. Disease mechanism: loss of function.

Submissions (2):

Ambry Genetics
Classification: Uncertain significance for Hereditary cancer-predisposing syndrome. Last evaluated: 2026-04-16. Review status: criteria provided, single submitter. Criteria: Ambry Variant Classification Scheme 2023. Collection method: clinical testing. Allele origin: germline.
Comment: The p.I134M variant (also known as c.402C>G), located in coding exon 1 of the AXIN2 gene, results from a C to G substitution at nucleotide position 402. The isoleucine at codon 134 is replaced by methionine, an amino acid with highly similar properties. This amino acid position is conserved. In addition, the in silico prediction for this alteration is inconclusive. Based on the available evidence, the clinical significance of this variant remains unclear.

Labcorp Genetics (formerly Invitae), Labcorp
Classification: Uncertain significance for Oligodontia-cancer predisposition syndrome. Last evaluated: 2023-08-30. Review status: criteria provided, single submitter. Criteria: Invitae Variant Classification Sherloc (09022015). Collection method: clinical testing. Allele origin: germline.
Comment: In summary, the available evidence is currently insufficient to determine the role of this variant in disease. Therefore, it has been classified as a Variant of Uncertain Significance. Advanced modeling of protein sequence and biophysical properties (such as structural, functional, and spatial information, amino acid conservation, physicochemical variation, residue mobility, and thermodynamic stability) performed at Invitae indicates that this missense variant is expected to disrupt AXIN2 protein function. This variant has not been reported in the literature in individuals affected with AXIN2-related conditions. This variant is not present in population databases (gnomAD no frequency). This sequence change replaces isoleucine, which is neutral and non-polar, with methionine, which is neutral and non-polar, at codon 134 of the AXIN2 protein (p.Ile134Met).